The following is an entry in ClinVar:

ClinVar aggregate classification (germline): Uncertain significance (1 of 4 stars; one submission).

Conditions:
Myopathy, centronuclear, 2 (CNM2). Also called: MYOTUBULAR MYOPATHY, AUTOSOMAL RECESSIVE. Identifiers: Orphanet 169186, MedGen CN031787, MONDO:0009709, OMIM 255200.

Allele frequency attached by ClinVar (database versions not stated): TOPMed 0.00001; gnomAD 0.00002; gnomAD exomes 0.00001.
gnomAD v4.1: 21 of 1,613,780 alleles (0.0013%); highest among the groups gnomAD compares: Non-Finnish European, 0.0016%; no homozygotes.

Submission:

Labcorp Genetics (formerly Invitae), Labcorp
Classification: Uncertain significance for Myopathy, centronuclear, 2. Last evaluated: 2025-06-03. Review status: criteria provided, single submitter. Criteria: Invitae Variant Classification Sherloc (09022015). Collection method: clinical testing. Allele origin: germline.
Comment: This sequence change replaces glutamic acid, which is acidic and polar, with lysine, which is basic and polar, at codon 586 of the BIN1 protein (p.Glu586Lys). This variant is present in population databases (no rsID available, gnomAD 0.002%). This variant has not been reported in the literature in individuals affected with BIN1-related conditions. ClinVar contains an entry for this variant (Variation ID: 972218). Invitae Evidence Modeling of protein sequence and biophysical properties (such as structural, functional, and spatial information, amino acid conservation, physicochemical variation, residue mobility, and thermodynamic stability) indicates that this missense variant is expected to disrupt BIN1 protein function with a positive predictive value of 80%. In summary, the available evidence is currently insufficient to determine the role of this variant in disease. Therefore, it has been classified as a Variant of Uncertain Significance.

NM_139343.3(BIN1):c.1756G>A (p.Glu586Lys)

Gene: BIN1 (bridging integrator 1; minus strand). Cytogenetic location: 2q14.3.
Variant type: single nucleotide variant.
Coding change: c.1756G>A on transcript NM_139343.3 (MANE Select); coding-DNA position 1756, G replaced by A.
Protein change: p.Glu586Lys; replaces glutamic acid 586 with lysine.
Molecular consequence: missense variant.
Genome position (GRCh38, 1-based): chr2:127,048,552, C>T on the plus strand (G>A on the coding strand, the complement: BIN1 is on the minus strand). VCF-style: chr2-127048552-C-T. GRCh37 (hg19) VCF-style: chr2-127806128-C-T.
Other names: c.1249G>A, p.Glu417Lys (NM_001320632.2); c.1387G>A, p.Glu463Lys (NM_001320633.2); c.1132G>A, p.Glu378Lys (NM_001320634.1); c.1516G>A, p.Glu506Lys (NM_001320640.2); c.1663G>A, p.Glu555Lys (NM_001320641.2); c.1675G>A, p.Glu559Lys (NM_001320642.1); c.1339G>A, p.Glu447Lys (NM_004305.4); c.1627G>A, p.Glu543Lys (NM_139344.3); and 7 more; short protein forms E417K, E468K, E543K, E475K, E506K, E586K, E378K, E402K.
Identifiers: ClinVar variation 972218 (VCV000972218.7), dbSNP rs1042277527, ClinGen allele CA55334933.